The following is an entry in ClinVar:

ClinVar aggregate classification (germline): Uncertain significance (1 of 4 stars; one submission).

gnomAD v4.1: 22 of 1,611,840 alleles (0.0014%); highest among the groups gnomAD compares: Non-Finnish European, 0.0019%; no homozygotes.

Submission:

Labcorp Genetics (formerly Invitae), Labcorp
Classification: Uncertain significance. Last evaluated: 2024-05-12. Review status: criteria provided, single submitter. Criteria: Invitae Variant Classification Sherloc (09022015). Collection method: clinical testing. Allele origin: germline.
Comment: This sequence change replaces lysine, which is basic and polar, with asparagine, which is neutral and polar, at codon 744 of the COL11A1 protein (p.Lys744Asn). This variant is present in population databases (rs765354732, gnomAD 0.007%). This variant has not been reported in the literature in individuals affected with COL11A1-related conditions. Advanced modeling of protein sequence and biophysical properties (such as structural, functional, and spatial information, amino acid conservation, physicochemical variation, residue mobility, and thermodynamic stability) has been performed at Invitae for this missense variant, however the output from this modeling did not meet the statistical confidence thresholds required to predict the impact of this variant on COL11A1 protein function. In summary, the available evidence is currently insufficient to determine the role of this variant in disease. Therefore, it has been classified as a Variant of Uncertain Significance.

NM_001854.4(COL11A1):c.2232G>C (p.Lys744Asn)

Gene: COL11A1 (collagen type XI alpha 1 chain; minus strand). Cytogenetic location: 1p21.1.
Variant type: single nucleotide variant.
Coding change: c.2232G>C on transcript NM_001854.4 (MANE Select); coding-DNA position 2232, G replaced by C.
Protein change: p.Lys744Asn; replaces lysine 744 with asparagine.
Molecular consequence: missense variant. On other transcripts: non-coding transcript variant (1).
Genome position (GRCh38, 1-based): chr1:102,997,089, C>G on the plus strand (G>C on the coding strand, the complement: COL11A1 is on the minus strand). VCF-style: chr1-102997089-C-G. GRCh37 (hg19) VCF-style: chr1-103462645-C-G.
Other names: c.2115G>C, p.Lys705Asn (NM_001190709.2); c.2268G>C, p.Lys756Asn (NM_080629.3); c.1884G>C, p.Lys628Asn (NM_080630.4); short protein forms K628N, K705N, K744N, K756N.
Identifiers: ClinVar variation 3626423 (VCV003626423.2).